The following is an entry in ClinVar:

NM_138773.4(SLC25A46):c.661C>A (p.Leu221Met)

Gene: SLC25A46 (solute carrier family 25 member 46; plus strand). Cytogenetic location: 5q22.1.
Variant type: single nucleotide variant.
Coding change: c.661C>A on transcript NM_138773.4 (MANE Select); coding-DNA position 661, C replaced by A.
Protein change: p.Leu221Met; replaces leucine 221 with methionine.
Molecular consequence: missense variant. On other transcripts: non-coding transcript variant (1).
Genome position (GRCh38, 1-based): chr5:110,756,742, C>A. VCF-style: chr5-110756742-C-A. GRCh37 (hg19) VCF-style: chr5-110092442-C-A.
Other names: p.Leu221Met; c.661C>A, p.Leu221Met (NM_001303249.3); c.388C>A, p.Leu130Met (NM_001303250.3); short protein forms L221M, L130M.
Identifiers: ClinVar variation 1040456 (VCV001040456.10), dbSNP rs141365604, ClinGen allele CA3364683.

ClinVar aggregate classification (germline): Uncertain significance. Review status: criteria provided, multiple submitters, no conflicts (2 of 4 stars). 4 submissions from 4 submitters: Uncertain significance (4). Last evaluated 2023-04-06.

Conditions:
Inborn genetic diseases. Identifiers: MedGen C0950123, MeSH D030342.
Neuropathy, hereditary motor and sensory, type 6B (HMSN6B). Also called: HMSN VIB; CHARCOT-MARIE-TOOTH DISEASE, TYPE 6B; NEUROPATHY, HEREDITARY MOTOR AND SENSORY, TYPE VIB, WITH OPTIC ATROPHY; Neuropathy, hereditary motor and sensory, type VIB. Identifiers: MedGen C4225302, MONDO:0014671, OMIM 616505.

Allele frequency attached by ClinVar (database versions not stated): gnomAD 0.00001; gnomAD exomes 0.00001; ExAC 0.00002; TOPMed 0.00002; ESP Exome Variant Server 0.00008.

Submissions (4):

Mayo Clinic Laboratories, Mayo Clinic
Classification: Uncertain significance. Last evaluated: 2023-04-06. Review status: criteria provided, single submitter. Criteria: ACMG Guidelines, 2015. Collection method: clinical testing. Allele origin: germline. Observed: 1 variant allele.
Comment: PM2

Blueprint Genetics
Classification: Uncertain significance. Last evaluated: 2022-11-03. Review status: criteria provided, single submitter. Criteria: ACMG Guidelines, 2015. Collection method: clinical testing. Allele origin: germline.

Ambry Genetics
Classification: Uncertain significance for Inborn genetic diseases. Last evaluated: 2021-11-05. Review status: criteria provided, single submitter. Criteria: Ambry Variant Classification Scheme 2023. Collection method: clinical testing. Allele origin: germline.
Comment: The p.L221M variant (also known as c.661C>A), located in coding exon 7 of the SLC25A46 gene, results from a C to A substitution at nucleotide position 661. The leucine at codon 221 is replaced by methionine, an amino acid with highly similar properties. This amino acid position is highly conserved in available vertebrate species. In addition, this alteration is predicted to be deleterious by in silico analysis. Since supporting evidence is limited at this time, the clinical significance of this alteration remains unclear.

Labcorp Genetics (formerly Invitae), Labcorp
Classification: Uncertain significance for Neuropathy, hereditary motor and sensory, type 6B. Last evaluated: 2021-08-27. Review status: criteria provided, single submitter. Criteria: Invitae Variant Classification Sherloc (09022015). Collection method: clinical testing. Allele origin: germline.
Comment: This sequence change replaces leucine with methionine at codon 221 of the SLC25A46 protein (p.Leu221Met). The leucine residue is highly conserved and there is a small physicochemical difference between leucine and methionine. This variant is present in population databases (rs141365604, ExAC 0.009%). This variant has not been reported in the literature in individuals affected with SLC25A46-related conditions. Algorithms developed to predict the effect of missense changes on protein structure and function are either unavailable or do not agree on the potential impact of this missense change (SIFT: "Deleterious"; PolyPhen-2: "Probably Damaging"; Align-GVGD: "Class C0"). In summary, the available evidence is currently insufficient to determine the role of this variant in disease. Therefore, it has been classified as a Variant of Uncertain Significance.